The following is an entry in ClinVar:

ClinVar aggregate classification (germline): Uncertain significance. Review status: criteria provided, multiple submitters, no conflicts (2 of 4 stars). 2 submissions from 2 submitters: Uncertain significance (2). Last evaluated 2025-05-23.

Allele frequency attached by ClinVar (database versions not stated): gnomAD 0.00001; TOPMed 0.00001.
gnomAD v4.1: 5 of 1,539,832 alleles (0.00032%); highest among the groups gnomAD compares: Admixed American, 0.002%; no homozygotes.

Submissions (2):

Women's Health and Genetics/Laboratory Corporation of America, LabCorp
Classification: Uncertain significance. Last evaluated: 2025-05-23. Review status: criteria provided, single submitter. Criteria: LabCorp Variant Classification Summary - May 2015. Collection method: clinical testing. Allele origin: germline.
Comment: Variant summary: NEFH c.287G>C (p.Ser96Thr) results in a conservative amino acid change in the encoded protein sequence. Algorithms developed to predict the effect of missense changes on protein structure and function all suggest that this variant is likely to be tolerated. The variant allele was found at a frequency of 7.2e-06 in 138660 control chromosomes. The available data on variant occurrences in the general population are insufficient to allow any conclusion about variant significance. To our knowledge, no occurrence of c.287G>C in individuals affected with Charcot-Marie-Tooth disease axonal type 2CC and no experimental evidence demonstrating its impact on protein function have been reported. ClinVar contains an entry for this variant (Variation ID: 2984858). Based on the evidence outlined above, the variant was classified as uncertain significance.

Labcorp Genetics (formerly Invitae), Labcorp
Classification: Uncertain significance. Last evaluated: 2024-04-16. Review status: criteria provided, single submitter. Criteria: Invitae Variant Classification Sherloc (09022015). Collection method: clinical testing. Allele origin: germline.
Comment: This sequence change replaces serine, which is neutral and polar, with threonine, which is neutral and polar, at codon 96 of the NEFH protein (p.Ser96Thr). This variant is present in population databases (no rsID available, gnomAD 0.004%). This variant has not been reported in the literature in individuals affected with NEFH-related conditions. Advanced modeling of protein sequence and biophysical properties (such as structural, functional, and spatial information, amino acid conservation, physicochemical variation, residue mobility, and thermodynamic stability) performed at Invitae indicates that this missense variant is not expected to disrupt NEFH protein function with a negative predictive value of 95%. In summary, the available evidence is currently insufficient to determine the role of this variant in disease. Therefore, it has been classified as a Variant of Uncertain Significance.

NM_021076.4(NEFH):c.287G>C (p.Ser96Thr)

Gene: NEFH (neurofilament heavy chain; plus strand). Cytogenetic location: 22q12.2.
Variant type: single nucleotide variant.
Coding change: c.287G>C on transcript NM_021076.4 (MANE Select); coding-DNA position 287, G replaced by C.
Protein change: p.Ser96Thr; replaces serine 96 with threonine.
Molecular consequence: missense variant.
Genome position (GRCh38, 1-based): chr22:29,480,549, G>C. VCF-style: chr22-29480549-G-C. GRCh37 (hg19) VCF-style: chr22-29876538-G-C.
Other names: short protein forms S96T.
Identifiers: ClinVar variation 2984858 (VCV002984858.4), dbSNP rs1391439128, ClinGen allele CA411122427.